The following is an entry in ClinVar:

NM_005612.5(REST):c.2653A>G (p.Thr885Ala)

Gene: REST (RE1 silencing transcription factor; plus strand). Cytogenetic location: 4q12.
Variant type: single nucleotide variant.
Coding change: c.2653A>G on transcript NM_005612.5 (MANE Select); coding-DNA position 2653, A replaced by G.
Protein change: p.Thr885Ala; replaces threonine 885 with alanine.
Molecular consequence: missense variant.
Genome position (GRCh38, 1-based): chr4:56,931,511, A>G. VCF-style: chr4-56931511-A-G. GRCh37 (hg19) VCF-style: chr4-57797677-A-G.
Other names: c.2653A>G, p.Thr885Ala (NM_001193508.2, NM_001363453.3); short protein forms T885A.
Identifiers: ClinVar variation 1654358 (VCV001654358.10), dbSNP rs144259100, ClinGen allele CA2932527.

ClinVar aggregate classification (germline): Benign. Review status: criteria provided, multiple submitters, no conflicts (2 of 4 stars). 2 submissions from 2 submitters: Benign (2). Last evaluated 2026-07-01.

Allele frequency attached by ClinVar (database versions not stated): ESP Exome Variant Server 0.00008; gnomAD 0.00008 and 0.00054; TOPMed 0.00016; gnomAD exomes 0.00086 and 0.00180; ExAC 0.00189; 1000 Genomes Project 30x 0.00297; 1000 Genomes Project 0.00319.
gnomAD v4.1: 1,352 of 1,614,192 alleles (0.084%); highest among the groups gnomAD compares: South Asian, 1.4%; 20 homozygotes.

Submissions (2):

CeGaT Center for Human Genetics Tuebingen
Classification: Benign. Last evaluated: 2026-07-01. Review status: criteria provided, single submitter. Criteria: CeGaT Center For Human Genetics Tuebingen Variant Classification Criteria Version 2. Collection method: clinical testing. Allele origin: germline. Affected: yes. Observed: 2 variant alleles.
Comment: REST: BP4, BS1, BS2

Labcorp Genetics (formerly Invitae), Labcorp
Classification: Benign. Last evaluated: 2025-11-16. Review status: criteria provided, single submitter. Criteria: Invitae Variant Classification Sherloc (09022015). Collection method: clinical testing. Allele origin: germline.